The following is an entry in ClinVar:

NM_004380.3(CREBBP):c.2921C>A (p.Thr974Asn)

Gene: CREBBP (CREB binding protein; minus strand). Cytogenetic location: 16p13.3.
Variant type: single nucleotide variant.
Coding change: c.2921C>A on transcript NM_004380.3 (MANE Select); coding-DNA position 2921, C replaced by A.
Protein change: p.Thr974Asn; replaces threonine 974 with asparagine.
Molecular consequence: missense variant.
Genome position (GRCh38, 1-based): chr16:3,769,313, G>T on the plus strand (C>A on the coding strand, the complement: CREBBP is on the minus strand). VCF-style: chr16-3769313-G-T. GRCh37 (hg19) VCF-style: chr16-3819314-G-T.
Other names: c.2807C>A, p.Thr936Asn (NM_001079846.1); c.2921C>A (NM_004380.2); short protein forms T936N, T974N.
Identifiers: ClinVar variation 2445888 (VCV002445888.2), dbSNP rs1429500736, ClinGen allele CA394549853.

ClinVar aggregate classification (germline): Conflicting classifications of pathogenicity. Review status: criteria provided, conflicting classifications (1 of 4 stars). 2 submissions from 2 submitters: Uncertain significance (1); Likely benign (1). Last evaluated 2023-07-05.

Allele frequency attached by ClinVar (database versions not stated): gnomAD exomes below 0.00001.
gnomAD v4.1: 2 of 1,614,192 alleles (0.00012%); highest among the groups gnomAD compares: African/African-American, 0.0013%; no homozygotes.

Submissions (2):

GeneDx
Classification: Likely benign. Last evaluated: 2023-07-05. Review status: criteria provided, single submitter. Criteria: GeneDx Variant Classification Process June 2021. Collection method: clinical testing. Allele origin: germline. Affected: yes.
Comment: Has not been previously published as pathogenic or benign in association with neurodevelopmental disorder to our knowledge; In silico analysis supports that this missense variant does not alter protein structure/function; This variant is associated with the following publications: (PMID: 34162180)

Women's Health and Genetics/Laboratory Corporation of America, LabCorp
Classification: Uncertain significance. Last evaluated: 2023-02-17. Review status: criteria provided, single submitter. Criteria: LabCorp Variant Classification Summary - May 2015. Collection method: clinical testing. Allele origin: germline.
Comment: Variant summary: CREBBP c.2921C>A (p.Thr974Asn) results in a non-conservative amino acid change in the encoded protein sequence. Three of five in-silico tools predict a benign effect of the variant on protein function. The variant allele was found at a frequency of 4e-06 in 251266 control chromosomes. The available data on variant occurrences in the general population are insufficient to allow any conclusion about variant significance. To our knowledge, no occurrence of c.2921C>A in individuals affected with Rubinstein-Taybi Syndrome and no experimental evidence demonstrating its impact on protein function have been reported. No clinical diagnostic laboratories have submitted clinical-significance assessments for this variant to ClinVar after 2014. Based on the evidence outlined above, the variant was classified as uncertain significance.

Literature cited by the submitters: PubMed 34162180 (cited by Women's Health and Genetics/Laboratory Corporation of America, LabCorp).